The following is an entry in ClinVar:

NM_006904.7(PRKDC):c.983C>A (p.Ala328Glu)

Gene: PRKDC (protein kinase, DNA-activated, catalytic subunit; minus strand). Cytogenetic location: 8q11.21.
Variant type: single nucleotide variant.
Coding change: c.983C>A on transcript NM_006904.7 (MANE Select); coding-DNA position 983, C replaced by A.
Protein change: p.Ala328Glu; replaces alanine 328 with glutamic acid.
Molecular consequence: missense variant.
Genome position (GRCh38, 1-based): chr8:47,939,681, G>T on the plus strand (C>A on the coding strand, the complement: PRKDC is on the minus strand). VCF-style: chr8-47939681-G-T. GRCh37 (hg19) VCF-style: chr8-48852241-G-T.
Other names: c.983C>A, p.Ala328Glu (NM_001081640.2); short protein forms A328E.
Identifiers: ClinVar variation 3310096 (VCV003310096.1).

ClinVar aggregate classification (germline): Uncertain significance (1 of 4 stars; one submission).

Submission:

Ambry Genetics
Classification: Uncertain significance. Last evaluated: 2024-03-28. Review status: criteria provided, single submitter. Criteria: Ambry Variant Classification Scheme 2023. Collection method: clinical testing. Allele origin: germline.
Comment: The p.A328E variant (also known as c.983C>A), located in coding exon 11 of the PRKDC gene, results from a C to A substitution at nucleotide position 983. The alanine at codon 328 is replaced by glutamic acid, an amino acid with dissimilar properties. This amino acid position is conserved. In addition, this alteration is predicted to be deleterious by in silico analysis. Based on the available evidence, the clinical significance of this alteration remains unclear.